The following is an entry in ClinVar:

ClinVar aggregate classification (germline): Uncertain significance. Review status: criteria provided, multiple submitters, no conflicts (2 of 4 stars). 2 submissions from 2 submitters: Uncertain significance (2). Last evaluated 2025-03-30.

Conditions:
Inborn genetic diseases. Identifiers: MedGen C0950123, MeSH D030342.
Hyperaldosteronism, familial, type IV (HALD4). Also called: FH IV; ALDOSTERONISM, PRIMARY, AND HYPERTENSION. Identifiers: Orphanet 642671, MedGen C4310756, MONDO:0014875, OMIM 617027.
Idiopathic generalized epilepsy. Also called: Generalised epilepsy; EIG. Identifiers: MedGen C0270850, MONDO:0005579, OMIM 600669.

Submissions (2):

Labcorp Genetics (formerly Invitae), Labcorp
Classification: Uncertain significance for Idiopathic generalized epilepsy; Hyperaldosteronism, familial, type IV. Last evaluated: 2025-03-30. Review status: criteria provided, single submitter. Criteria: Invitae Variant Classification Sherloc (09022015). Collection method: clinical testing. Allele origin: germline.
Comment: This sequence change replaces proline, which is neutral and non-polar, with arginine, which is basic and polar, at codon 2007 of the CACNA1H protein (p.Pro2007Arg). This variant is not present in population databases (gnomAD no frequency). This variant has not been reported in the literature in individuals affected with CACNA1H-related conditions. ClinVar contains an entry for this variant (Variation ID: 3484038). Invitae Evidence Modeling of protein sequence and biophysical properties (such as structural, functional, and spatial information, amino acid conservation, physicochemical variation, residue mobility, and thermodynamic stability) indicates that this missense variant is not expected to disrupt CACNA1H protein function with a negative predictive value of 80%. In summary, the available evidence is currently insufficient to determine the role of this variant in disease. Therefore, it has been classified as a Variant of Uncertain Significance.

Ambry Genetics
Classification: Uncertain significance for Inborn genetic diseases. Last evaluated: 2024-11-15. Review status: criteria provided, single submitter. Criteria: Ambry Variant Classification Scheme 2023. Collection method: clinical testing. Allele origin: germline.

NM_021098.3(CACNA1H):c.6020C>G (p.Pro2007Arg)

Gene: CACNA1H (calcium voltage-gated channel subunit alpha1 H; plus strand). Cytogenetic location: 16p13.3.
Variant type: single nucleotide variant.
Coding change: c.6020C>G on transcript NM_021098.3 (MANE Select); coding-DNA position 6020, C replaced by G.
Protein change: p.Pro2007Arg; replaces proline 2007 with arginine.
Molecular consequence: missense variant.
Genome position (GRCh38, 1-based): chr16:1,219,102, C>G. VCF-style: chr16-1219102-C-G. GRCh37 (hg19) VCF-style: chr16-1269102-C-G.
Other names: c.6002C>G, p.Pro2001Arg (NM_001005407.2); short protein forms P2001R, P2007R.
Identifiers: ClinVar variation 3484038 (VCV003484038.2).